The following is an entry in ClinVar:

NM_019066.5(MAGEL2):c.1404CCCACCTGTGATCCGCCAGGC[1] (p.464VIRQAPP[3])

Gene: MAGEL2 (MAGE family member L2; minus strand). Cytogenetic location: 15q11.2.
Variant type: Microsatellite.
Coding change: c.1404CCCACCTGTGATCCGCCAGGC[1] on transcript NM_019066.5 (MANE Select); one copy of the 21-base unit CCCACCTGTGATCCGCCAGGC starting at c.1404; the reference has two copies in a row; one copy, 21 bases deleted.
Protein change: p.464VIRQAPP[3].
Molecular consequence: inframe deletion.
Genome position (GRCh38, 1-based): chr15:23,646,298-23,646,318, GCCTGGCGGATCACAGGTGGG deleted on the plus strand (CCCACCTGTGATCCGCCAGGC on the coding strand, the reverse complement: MAGEL2 is on the minus strand); deleting any 21 consecutive bases within chr15:23,646,298-23,646,355 gives the same sequence; the position shown is the placement nearest the transcript's 3' end. VCF-style (leftmost placement, unchanged base first): chr15-23646297-AGCCTGGCGGATCACAGGTGGG-A. GRCh37 (hg19) VCF-style: chr15-23891444-AGCCTGGCGGATCACAGGTGGG-A.
Identifiers: ClinVar variation 499216 (VCV000499216.41), dbSNP rs1386125417, ClinGen allele CA489228945.

ClinVar aggregate classification (germline): Conflicting classifications of pathogenicity. Review status: criteria provided, conflicting classifications (1 of 4 stars). 4 submissions from 4 submitters: Uncertain significance (1); Benign (2); Likely benign (1). Last evaluated 2026-03-01.

Submissions (4):

CeGaT Center for Human Genetics Tuebingen
Classification: Likely benign. Last evaluated: 2026-03-01. Review status: criteria provided, single submitter. Criteria: CeGaT Center For Human Genetics Tuebingen Variant Classification Criteria Version 2. Collection method: clinical testing. Allele origin: germline. Affected: yes. Observed: 3 variant alleles.
Comment: MAGEL2: BS2

Labcorp Genetics (formerly Invitae), Labcorp
Classification: Benign. Last evaluated: 2025-12-21. Review status: criteria provided, single submitter. Criteria: Invitae Variant Classification Sherloc (09022015). Collection method: clinical testing. Allele origin: germline.

GeneDx
Classification: Benign. Last evaluated: 2021-08-12. Review status: criteria provided, single submitter. Criteria: GeneDx Variant Classification Process June 2021. Collection method: clinical testing. Allele origin: germline. Affected: yes.

Eurofins Ntd Llc (ga)
Classification: Uncertain significance. Last evaluated: 2017-01-16. Review status: criteria provided, single submitter. Criteria: EGL Classification Definitions 2015. Collection method: clinical testing. Allele origin: germline. Observed: 1 variant allele, 1 heterozygote.